The following is an entry in ClinVar:

ClinVar aggregate classification (germline): Pathogenic (1 of 4 stars; one submission).

Conditions:
Very long chain acyl-CoA dehydrogenase deficiency (ACADVLD). Also called: VLCAD Deficiency; Very Long-Chain Acyl-Coenzyme A Dehydrogenase Deficiency. Identifiers: Orphanet 26793, MedGen C3887523, MONDO:0008723, OMIM 201475.

Submission:

Labcorp Genetics (formerly Invitae), Labcorp
Classification: Pathogenic for Very long chain acyl-CoA dehydrogenase deficiency. Last evaluated: 2022-02-08. Review status: criteria provided, single submitter. Criteria: Invitae Variant Classification Sherloc (09022015). Collection method: clinical testing. Allele origin: germline.
Comment: This sequence change creates a premature translational stop signal (p.Glu104Serfs*13) in the ACADVL gene. It is expected to result in an absent or disrupted protein product. Loss-of-function variants in ACADVL are known to be pathogenic (PMID: 9973285, 11590124). This variant is not present in population databases (gnomAD no frequency). This variant has not been reported in the literature in individuals affected with ACADVL-related conditions. For these reasons, this variant has been classified as Pathogenic.

Literature cited by the submitters: PubMed 9973285; PubMed 11590124.

NM_000018.4(ACADVL):c.303del (p.Glu104fs)

Gene: ACADVL (acyl-CoA dehydrogenase very long chain; plus strand). Cytogenetic location: 17p13.1.
Variant type: Deletion.
Coding change: c.303del on transcript NM_000018.4 (MANE Select); coding-DNA position 303, one base deleted (T; older notation c.303delT).
Protein change: p.Glu104fs; shifts the reading frame from glutamic acid 104.
Molecular consequence: frameshift variant.
Genome position (GRCh38, 1-based): chr17:7,220,791, T deleted; the last of 3 consecutive T bases (chr17:7,220,789-7,220,791); deleting any one gives the same sequence. VCF-style (leftmost placement, unchanged base first): chr17-7220788-GT-G. GRCh37 (hg19) VCF-style: chr17-7124107-GT-G.
Other names: c.237del, p.Glu82fs (NM_001033859.3); c.372del, p.Glu127fs (NM_001270447.2); c.75del, p.Glu28fs (NM_001270448.2); short protein forms E82fs, E104fs, E28fs, E127fs.
Identifiers: ClinVar variation 1455427 (VCV001455427.6), dbSNP rs2142967119, ClinGen allele CA2573154532.